The following is an entry in ClinVar:

ClinVar aggregate classification (germline): Pathogenic/Likely pathogenic. Review status: criteria provided, multiple submitters, no conflicts (2 of 4 stars). 3 submissions from 3 submitters: Pathogenic (2); Likely pathogenic (1). Last evaluated 2025-10-11.

Conditions:
Generalized epilepsy with febrile seizures plus, type 2 (GEFSP2). Also called: GEFS+, TYPE 2. Identifiers: Orphanet 36387, MedGen C1858673, MONDO:0011461, OMIM 604403.
Severe myoclonic epilepsy in infancy (DRVT). Also called: SEVERE MYOCLONIC EPILEPSY OF INFANCY; DEVELOPMENTAL AND EPILEPTIC ENCEPHALOPATHY 6A; Severe Myoclonic Epilepsy in Infancy (SMEI); Epileptic encephalopathy, early infantile, 6 (Dravet syndrome); Dravet syndrome. Identifiers: Orphanet 33069, MedGen C0751122, MONDO:0100135, OMIM 607208.

Submissions (3):

Genetics and Genomic Medicine Centre, NeuroGen Healthcare, NeuroGen Healthcare
Classification: Pathogenic for Generalized epilepsy with febrile seizures plus, type 2. Last evaluated: 2025-10-11. Review status: criteria provided, single submitter. Criteria: ACMG Guidelines, 2015. Collection method: clinical testing. Allele origin: unknown. Affected: yes.

GeneDx
Classification: Pathogenic. Last evaluated: 2022-12-22. Review status: criteria provided, single submitter. Criteria: GeneDx Variant Classification Process June 2021. Collection method: clinical testing. Allele origin: germline. Affected: yes.
Comment: Missense variants in this gene are often considered pathogenic (HGMD); This substitution is predicted to be within the transmembrane segment S6 of the fourth homologous domain; Not observed in large population cohorts (gnomAD); This variant is associated with the following publications: (PMID: 31009440, 31031587)

Solve-RD Consortium
Classification: Likely pathogenic for Severe myoclonic epilepsy in infancy. Review status: criteria provided, single submitter. Criteria: ACMG Guidelines, 2015. Collection method: provider interpretation. Allele origin: germline. Inheritance: Autosomal dominant inheritance. Affected: yes. Study: Solve-RD DIFT-EpiCARE reanalysis.
Comment: PS1, PM2

Variant identified during reanalysis of unsolved cases by the Solve-RD project. The Solve-RD project has received funding from the European Union’s Horizon 2020 research and innovation programme under grant agreement No 779257.

NM_001165963.4(SCN1A):c.5303G>A (p.Ser1768Asn)

Genes: SCN1A (sodium voltage-gated channel alpha subunit 1; minus strand), LOC102724058 (uncharacterized LOC102724058; plus strand). Cytogenetic location: 2q24.3.
Variant type: single nucleotide variant.
Coding change: c.5303G>A on transcript NM_001165963.4 (MANE Select); coding-DNA position 5303, G replaced by A.
Protein change: p.Ser1768Asn; replaces serine 1768 with asparagine.
Molecular consequence: missense variant. On other transcripts: non-coding transcript variant (1).
Genome position (GRCh38, 1-based): chr2:165,991,972, C>T on the plus strand (G>A on the coding strand, the complement: SCN1A is on the minus strand). VCF-style: chr2-165991972-C-T. GRCh37 (hg19) VCF-style: chr2-166848482-C-T.
Other names: c.5219G>A, p.Ser1740Asn (NM_001165964.3, NM_001353957.2, NM_001353958.2); c.5303G>A, p.Ser1768Asn (NM_001202435.3, NM_001353948.2); c.5270G>A, p.Ser1757Asn (NM_001353949.2, NM_001353950.2, NM_001353951.2 and 2 more transcripts); c.5267G>A, p.Ser1756Asn (NM_001353954.2, NM_001353955.2); c.5216G>A, p.Ser1739Asn (NM_001353960.2); c.2861G>A, p.Ser954Asn (NM_001353961.2); short protein forms S1739N, S1740N, S1756N, S1757N, S1768N, S954N.
Identifiers: ClinVar variation 1806814 (VCV001806814.3), dbSNP rs2468334031, ClinGen allele CA349068209.